The following is an entry in ClinVar:

ClinVar aggregate classification (germline): Uncertain significance. Review status: criteria provided, multiple submitters, no conflicts (2 of 4 stars). 2 submissions from 2 submitters: Uncertain significance (2). Last evaluated 2025-01-13.

Conditions:
Inborn genetic diseases. Identifiers: MedGen C0950123, MeSH D030342.
Very long chain acyl-CoA dehydrogenase deficiency (ACADVLD). Also called: Very Long-Chain Acyl-Coenzyme A Dehydrogenase Deficiency; VLCAD Deficiency. Identifiers: Orphanet 26793, MedGen C3887523, MONDO:0008723, OMIM 201475.

gnomAD v4.1: 1 of 1,614,108 alleles (0.000062%); highest among the groups gnomAD compares: Admixed American, 0.0017%; no homozygotes.

Submissions (2):

Labcorp Genetics (formerly Invitae), Labcorp
Classification: Uncertain significance for Very long chain acyl-CoA dehydrogenase deficiency. Last evaluated: 2025-01-13. Review status: criteria provided, single submitter. Criteria: Invitae Variant Classification Sherloc (09022015). Collection method: clinical testing. Allele origin: germline.
Comment: This sequence change replaces alanine, which is neutral and non-polar, with serine, which is neutral and polar, at codon 124 of the ACADVL protein (p.Ala124Ser). This variant is present in population databases (no rsID available, gnomAD 0.003%). This variant has not been reported in the literature in individuals affected with ACADVL-related conditions. ClinVar contains an entry for this variant (Variation ID: 1385543). Invitae Evidence Modeling of protein sequence and biophysical properties (such as structural, functional, and spatial information, amino acid conservation, physicochemical variation, residue mobility, and thermodynamic stability) indicates that this missense variant is not expected to disrupt ACADVL protein function with a negative predictive value of 80%. In summary, the available evidence is currently insufficient to determine the role of this variant in disease. Therefore, it has been classified as a Variant of Uncertain Significance.

Ambry Genetics
Classification: Uncertain significance for Inborn genetic diseases. Last evaluated: 2024-03-08. Review status: criteria provided, single submitter. Criteria: Ambry Variant Classification Scheme 2023. Collection method: clinical testing. Allele origin: germline.

NM_000018.4(ACADVL):c.370G>T (p.Ala124Ser)

Gene: ACADVL (acyl-CoA dehydrogenase very long chain; plus strand). Cytogenetic location: 17p13.1.
Variant type: single nucleotide variant.
Coding change: c.370G>T on transcript NM_000018.4 (MANE Select); coding-DNA position 370, G replaced by T.
Protein change: p.Ala124Ser; replaces alanine 124 with serine.
Molecular consequence: missense variant.
Genome position (GRCh38, 1-based): chr17:7,220,951, G>T. VCF-style: chr17-7220951-G-T. GRCh37 (hg19) VCF-style: chr17-7124270-G-T.
Other names: c.304G>T, p.Ala102Ser (NM_001033859.3); c.439G>T, p.Ala147Ser (NM_001270447.2); c.142G>T, p.Ala48Ser (NM_001270448.2); c.370G>T (NM_000018.2); short protein forms A48S, A102S, A124S, A147S.
Identifiers: ClinVar variation 1385543 (VCV001385543.6), dbSNP rs560912181, ClinGen allele CA397722761.